The following is an entry in ClinVar:

ClinVar aggregate classification (germline): Pathogenic (1 of 4 stars; one submission).

Conditions:
Neurofibromatosis, type 1 (NF1). Also called: Peripheral type neurofibromatosis; VON RECKLINGHAUSEN DISEASE; Neurofibromatosis, type I; NEUROFIBROMATOSIS, TYPE I, SOMATIC. Identifiers: Orphanet 636, MedGen C0027831, MONDO:0018975, OMIM 162200. Disease mechanism: loss of function.

Submission:

Labcorp Genetics (formerly Invitae), Labcorp
Classification: Pathogenic for Neurofibromatosis, type 1. Last evaluated: 2019-01-11. Review status: criteria provided, single submitter. Criteria: Invitae Variant Classification Sherloc (09022015). Collection method: clinical testing. Allele origin: germline.
Comment: This variant is not present in population databases (ExAC no frequency). This sequence change creates a premature translational stop signal (p.Tyr333Thrfs*43) in the NF1 gene. It is expected to result in an absent or disrupted protein product. This variant has been observed in an individual affected with neurofibromatosis type 1 (PMID: 12552569). This variant is also known as c.996delT in the literature. For these reasons, this variant has been classified as Pathogenic. Loss-of-function variants in NF1 are known to be pathogenic (PMID: 10712197, 23913538).

Literature cited by the submitters: PubMed 12552569; PubMed 10712197; PubMed 23913538.

NM_001042492.3(NF1):c.997del (p.Tyr333fs)

Gene: NF1 (neurofibromin 1; plus strand). Cytogenetic location: 17q11.2.
Variant type: Deletion.
Coding change: c.997del on transcript NM_001042492.3 (MANE Select); coding-DNA position 997, one base deleted (T; older notation c.997delT).
Protein change: p.Tyr333fs; shifts the reading frame from tyrosine 333.
Molecular consequence: frameshift variant.
Genome position (GRCh38, 1-based): chr17:31,200,530, T deleted; the last of 2 consecutive T bases (chr17:31,200,529-31,200,530); deleting either gives the same sequence. VCF-style (leftmost placement, unchanged base first): chr17-31200528-CT-C. GRCh37 (hg19) VCF-style: chr17-29527546-CT-C.
Other names: c.997delT (NM_000267.3); c.997delT, p.Tyr333Thrfs (NM_000267.4); c.997del, p.Tyr333fs (NM_001128147.3); short protein forms Y333fs.
Identifiers: ClinVar variation 572921 (VCV000572921.8), dbSNP rs1567835183, ClinGen allele CA891843783.